The following is an entry in ClinVar:

ClinVar aggregate classification (germline): Likely benign (1 of 4 stars; one submission).

Conditions:
Retinoblastoma (RB1). Also called: RETINOBLASTOMA, SOMATIC. Identifiers: Orphanet 790, MedGen C0035335, MeSH D012175, MONDO:0008380, OMIM 180200, HP:0009919. Disease mechanism: loss of function. Inheritance: Both sporadic and heritable forms are tested..

Submission:

All of Us Research Program, National Institutes of Health
Classification: Likely benign for Retinoblastoma. Last evaluated: 2023-12-13. Review status: criteria provided, single submitter. Criteria: ACMG Guidelines, 2015. Collection method: clinical testing. Allele origin: germline. Inheritance: Autosomal dominant inheritance. Observed: 1 variant allele, 1 heterozygote.
Comment: This study involves interpretation of variants in research participants for the purpose of population health screening. Participant phenotype was not available at the time of variant classification. Additional details can be found in publication PMID: 35346344, PMCID: PMC8962531

NM_000321.3(RB1):c.705C>T (p.Leu235=)

Gene: RB1 (RB transcriptional corepressor 1; plus strand). Cytogenetic location: 13q14.2.
Variant type: single nucleotide variant.
Coding change: c.705C>T on transcript NM_000321.3 (MANE Select); coding-DNA position 705, C replaced by T.
Protein change: p.Leu235=; no amino-acid change (leucine 235 retained).
Molecular consequence: synonymous variant.
Genome position (GRCh38, 1-based): chr13:48,360,114, C>T. VCF-style: chr13-48360114-C-T. GRCh37 (hg19) VCF-style: chr13-48934250-C-T.
Other names: c.705C>T, p.Leu235= (NM_001407165.1, NM_001407166.1).
Identifiers: ClinVar variation 3074777 (VCV003074777.1), dbSNP rs2138107999, ClinGen allele CA483557744.
Genomic context (GRCh38, chr13:48,360,114, plus strand): 5'-ATTTCAGTTAATGCTATGTGTCCTTGACTATTTTATTAAACTCTCACCTCCCATGTTGCT[C>T]AAAGAACCATATAGTAAGTATTTAATTTATGCCCCTTTTACTTTCTCATTCAGCAGTTGC-3'
Protein context (NP_000312.2, residues 225-245): YFIKLSPPML[Leu235=]KEPYKTAVIP